The following is an entry in ClinVar:

NM_005591.4(MRE11):c.241A>C (p.Lys81Gln)

Gene: MRE11 (MRE11 double strand break repair nuclease; minus strand). Cytogenetic location: 11q21.
Variant type: single nucleotide variant.
Coding change: c.241A>C on transcript NM_005591.4 (MANE Select); coding-DNA position 241, A replaced by C.
Protein change: p.Lys81Gln; replaces lysine 81 with glutamine.
Molecular consequence: missense variant.
Genome position (GRCh38, 1-based): chr11:94,485,997, T>G on the plus strand (A>C on the coding strand, the complement: MRE11 is on the minus strand). VCF-style: chr11-94485997-T-G. GRCh37 (hg19) VCF-style: chr11-94219163-T-G.
Other names: c.241A>C, p.Lys81Gln (NM_001330347.2, NM_005590.4); short protein forms K81Q.
Identifiers: ClinVar variation 1800302 (VCV001800302.2), dbSNP rs1947131851, ClinGen allele CA382379566.

ClinVar aggregate classification (germline): Uncertain significance (1 of 4 stars; one submission).

Conditions:
Hereditary cancer-predisposing syndrome. Also called: Neoplastic Syndromes, Hereditary; Tumor predisposition; Hereditary Cancer Syndrome; Hereditary neoplastic syndrome. Identifiers: Orphanet 140162, MedGen C0027672, MeSH D009386, MONDO:0015356.

Allele frequency attached by ClinVar (database versions not stated): TOPMed below 0.00001.

Submission:

Ambry Genetics
Classification: Uncertain significance for Hereditary cancer-predisposing syndrome. Last evaluated: 2020-05-05. Review status: criteria provided, single submitter. Criteria: Ambry Variant Classification Scheme 2023. Collection method: clinical testing. Allele origin: germline.
Comment: The p.K81Q variant (also known as c.241A>C), located in coding exon 3 of the MRE11A gene, results from an A to C substitution at nucleotide position 241. The lysine at codon 81 is replaced by glutamine, an amino acid with similar properties. This amino acid position is highly conserved in available vertebrate species. In addition, the in silico prediction for this alteration is inconclusive. Since supporting evidence is limited at this time, the clinical significance of this alteration remains unclear.